The following is an entry in ClinVar:

ClinVar aggregate classification (germline): Likely benign (1 of 4 stars; one submission).

Allele frequency attached by ClinVar (database versions not stated): gnomAD exomes 0.00387; gnomAD 0.01412 and 0.01499; 1000 Genomes Project 0.01418; TOPMed 0.01465; 1000 Genomes Project 30x 0.01468.
gnomAD v4.1: 2,783 of 315,996 alleles (0.88%); highest among the groups gnomAD compares: African/African-American, 3.9%; 45 homozygotes.

Submission:

GeneDx
Classification: Likely benign. Last evaluated: 2018-06-16. Review status: criteria provided, single submitter. Criteria: GeneDx Variant Classification (06012015). Collection method: clinical testing. Allele origin: germline. Affected: yes.
Comment: This variant is considered likely benign or benign based on one or more of the following criteria: it is a conservative change, it occurs at a poorly conserved position in the protein, it is predicted to be benign by multiple in silico algorithms, and/or has population frequency not consistent with disease.

NM_002693.3(POLG):c.-159-245C>G

Gene: POLG (DNA polymerase gamma, catalytic subunit; minus strand). Cytogenetic location: 15q26.1.
Variant type: single nucleotide variant.
Coding change: c.-159-245C>G on transcript NM_002693.3 (MANE Select); 245 bases into the intron before 159 bases upstream of the start codon, C replaced by G.
Molecular consequence: intron variant.
Genome position (GRCh38, 1-based): chr15:89,334,158, G>C on the plus strand (C>G on the coding strand, the complement: POLG is on the minus strand). VCF-style: chr15-89334158-G-C. GRCh37 (hg19) VCF-style: chr15-89877389-G-C.
Other names: c.-159-245C>G (NM_001126131.2).
Identifiers: ClinVar variation 673063 (VCV000673063.1), dbSNP rs3176157, ClinGen allele CA274567229.
Genomic context (GRCh38, chr15:89,334,158, plus strand): 5'-AACTTCGTCAGTGAACCCACGTGGGGAAGCCGAGGGCAGCGAGTAAGAGAGCAGTATCTG[G>C]AGTAGGGCGACGCGGTTTTGAACCCCGCTTCTGGCTCTCTCGAGCTGTGTGACCTTGGGC-3'